The following is an entry in ClinVar:

ClinVar aggregate classification (germline): Uncertain significance (1 of 4 stars; one submission).

Submission:

GeneDx
Classification: Uncertain significance. Last evaluated: 2024-03-16. Review status: criteria provided, single submitter. Criteria: GeneDx Variant Classification Process June 2021. Collection method: clinical testing. Allele origin: germline. Affected: yes.
Comment: Not observed at significant frequency in large population cohorts (gnomAD); In silico analysis supports that this missense variant does not alter protein structure/function; Has not been previously published as pathogenic or benign to our knowledge

NM_015570.4(AUTS2):c.902A>G (p.Gln301Arg)

Gene: AUTS2 (activator of transcription and developmental regulator AUTS2; plus strand). Cytogenetic location: 7q11.22.
Variant type: single nucleotide variant.
Coding change: c.902A>G on transcript NM_015570.4 (MANE Select); coding-DNA position 902, A replaced by G.
Protein change: p.Gln301Arg; replaces glutamine 301 with arginine.
Molecular consequence: missense variant.
Genome position (GRCh38, 1-based): chr7:70,763,029, A>G. VCF-style: chr7-70763029-A-G. GRCh37 (hg19) VCF-style: chr7-70228015-A-G.
Other names: c.902A>G, p.Gln301Arg (NM_001127231.3); short protein forms Q301R.
Identifiers: ClinVar variation 3370902 (VCV003370902.1).